The following is an entry in ClinVar:

ClinVar aggregate classification (germline): Pathogenic (1 of 4 stars; one submission).

Conditions:
Tay-Sachs disease (TSD). Also called: HEXA DEFICIENCY; GM2 gangliosidosis, type 1; Hexosaminidase alpha-subunit deficiency (variant B); Sphingolipidosis, Tay-Sachs; HEXA Disorders; Hexosaminidase A Deficiency. Identifiers: Orphanet 845, MedGen C0039373, MONDO:0010100, OMIM 272800.

Submission:

Labcorp Genetics (formerly Invitae), Labcorp
Classification: Pathogenic for Tay-Sachs disease. Last evaluated: 2021-11-09. Review status: criteria provided, single submitter. Criteria: Invitae Variant Classification Sherloc (09022015). Collection method: clinical testing. Allele origin: germline.
Comment: This sequence change creates a premature translational stop signal (p.Tyr40Thrfs*60) in the HEXA gene. It is expected to result in an absent or disrupted protein product. Loss-of-function variants in HEXA are known to be pathogenic (PMID: 1833974, 8490625). This variant is not present in population databases (gnomAD no frequency). This variant has not been reported in the literature in individuals affected with HEXA-related conditions. For these reasons, this variant has been classified as Pathogenic.

Literature cited by the submitters: PubMed 1833974; PubMed 8490625.

NM_000520.6(HEXA):c.118del (p.Tyr40fs)

Gene: HEXA (hexosaminidase subunit alpha; minus strand). Cytogenetic location: 15q23.
Variant type: Deletion.
Coding change: c.118del on transcript NM_000520.6 (MANE Select); coding-DNA position 118, one base deleted (T; older notation c.118delT).
Protein change: p.Tyr40fs; shifts the reading frame from tyrosine 40.
Molecular consequence: frameshift variant. On other transcripts: non-coding transcript variant (1).
Genome position (GRCh38, 1-based): chr15:72,375,855, A deleted on the plus strand (T on the coding strand, the reverse complement: HEXA is on the minus strand); the first of 3 consecutive A bases (chr15:72,375,855-72,375,857); deleting any one gives the same sequence. VCF-style (leftmost placement, unchanged base first): chr15-72375854-TA-T. GRCh37 (hg19) VCF-style: chr15-72668195-TA-T.
Other names: c.118del, p.Tyr40fs (NM_001318825.2); short protein forms Y40fs.
Identifiers: ClinVar variation 1449829 (VCV001449829.6), dbSNP rs2140344667, ClinGen allele CA2573151072.
Genomic context (GRCh38, chr15:72,375,854, plus strand): 5'-ACTGAGCAGCCGGGCTGCGCGGCCGAGCTGACATCGTACTGGAATTGAAAGTTGTTCGGG[TA>T]AAGGACGTAGCGCTGGTCGGAGGTTTGGAAGTTCTGAGGCCAGGGCCAGAGGGCCGTCGC-3'